The following is an entry in ClinVar:

NM_014270.5(SLC7A9):c.1080dup (p.Ile361fs)

Gene: SLC7A9 (solute carrier family 7 member 9; minus strand). Cytogenetic location: 19q13.11.
Variant type: Duplication.
Coding change: c.1080dup on transcript NM_014270.5 (MANE Select); coding-DNA position 1080, one base duplicated (C; older notation c.1080dupC).
Protein change: p.Ile361fs; shifts the reading frame from isoleucine 361.
Molecular consequence: frameshift variant.
Genome position (GRCh38, 1-based): chr19:32,842,312, G duplicated on the plus strand (C on the coding strand, the reverse complement: SLC7A9 is on the minus strand). VCF-style (leftmost placement, unchanged base first): chr19-32842311-T-TG. GRCh37 (hg19) VCF-style: chr19-33333217-T-TG.
Other names: c.1080dup, p.Ile361fs (NM_001126335.2, NM_001243036.2); short protein forms I361fs.
Identifiers: ClinVar variation 2630193 (VCV002630193.2), dbSNP rs2513557082, ClinGen allele CA2695198165.
Genomic context (GRCh38, chr19:32,842,311, plus strand): 5'-CAAAGCTGAAATAATTGACTAACGAGTTTATGTCACCAGGGATGATATAAATCGTTGCTA[T>TG]GATACCCTAATAGAAAGAAGAATGGATTTGTAGGTCATTACTACAAAACACTGTTCTCAT-3'

ClinVar aggregate classification (germline): Likely pathogenic (1 of 4 stars; one submission).

Conditions:
SLC7A9-related disorder. Also called: SLC7A9-related condition.

Submission:

PreventionGenetics, part of Exact Sciences
Classification: Likely pathogenic for SLC7A9-related condition. Last evaluated: 2025-10-13. Review status: criteria provided, single submitter. Criteria: ACMG Guidelines, 2015. Collection method: clinical testing. Allele origin: germline.
Comment: The SLC7A9 c.1080dupC variant is predicted to result in a frameshift and premature protein termination (p.Ile361Hisfs*10). To our knowledge, this variant has not been reported in the literature or in a large population database (gnomAD), indicating this variant is rare. Frameshift variants in SLC7A9 are expected to be pathogenic. This variant is interpreted as likely pathogenic.